The following is an entry in ClinVar:

ClinVar aggregate classification (germline): Uncertain significance (1 of 4 stars; one submission).

Conditions:
Emery-Dreifuss muscular dystrophy (EDMD). Also called: Scapuloperoneal syndrome, X-linked (formerly); Humeroperoneal neuromuscular disease, (formerly). Identifiers: Orphanet 261, MedGen C0410189, MONDO:0016830.

gnomAD v4.1: 2 of 1,614,120 alleles (0.00012%); highest among the groups gnomAD compares: Non-Finnish European, 0.00017%; no homozygotes.

Submission:

Labcorp Genetics (formerly Invitae), Labcorp
Classification: Uncertain significance for Emery-Dreifuss muscular dystrophy. Last evaluated: 2023-12-12. Review status: criteria provided, single submitter. Criteria: Invitae Variant Classification Sherloc (09022015). Collection method: clinical testing. Allele origin: germline.
Comment: This sequence change creates a premature translational stop signal (p.Tyr634*) in the SUN1 gene. It is expected to result in an absent or disrupted protein product. However, the current clinical and genetic evidence is not sufficient to establish whether loss-of-function variants in SUN1 cause disease. This variant is present in population databases (rs770512687, gnomAD 0.0009%). This variant has not been reported in the literature in individuals affected with SUN1-related conditions. Algorithms developed to predict the effect of sequence changes on RNA splicing suggest that this variant may disrupt the consensus splice site. In summary, the available evidence is currently insufficient to determine the role of this variant in disease. Therefore, it has been classified as a Variant of Uncertain Significance.

NM_001130965.3(SUN1):c.1902C>G (p.Tyr634Ter)

Gene: SUN1 (Sad1 and UNC84 domain containing 1; plus strand). Cytogenetic location: 7p22.3.
Variant type: single nucleotide variant.
Coding change: c.1902C>G on transcript NM_001130965.3 (MANE Select); coding-DNA position 1902, C replaced by G.
Protein change: p.Tyr634Ter; replaces tyrosine 634 with a stop codon.
Molecular consequence: nonsense. On other transcripts: non-coding transcript variant (3).
Genome position (GRCh38, 1-based): chr7:865,989, C>G. VCF-style: chr7-865989-C-G. GRCh37 (hg19) VCF-style: chr7-905626-C-G.
Other names: c.2316C>G, p.Tyr772Ter (NM_001367651.1); c.1902C>G, p.Tyr634Ter (NM_001367653.1, NM_001367633.1, NM_001367634.1); c.2112C>G, p.Tyr704Ter (NM_001367655.1, NM_001367700.1); c.1188C>G, p.Tyr396Ter (NM_001367658.1); c.1719C>G, p.Tyr573Ter (NM_001367660.1); c.1749C>G, p.Tyr583Ter (NM_001367662.1, NM_001367671.1); c.2013C>G, p.Tyr671Ter (NM_001367664.1, NM_001367685.1); c.1899C>G, p.Tyr633Ter (NM_001367665.1, NM_001367694.1); and 43 more; short protein forms Y396*, Y481*, Y584*, Y608*, Y621*, Y648*, Y660*, Y661*.
Identifiers: ClinVar variation 2961547 (VCV002961547.3), dbSNP rs770512687, ClinGen allele CA4112421.
Genomic context (GRCh38, chr7:865,989, plus strand): 5'-ACCGATCTGAACTTTGCTTTAAGGTGGCAGCATCTTGAGTACTCGCTGTTCTGAAACTTA[C>G]GAAACCAAAACGGCGCTGATGAGTCTGTTTGGGATCCCGCTGTGGTACTTCTCGCAGTCC-3'